The following is an entry in ClinVar:

ClinVar aggregate classification (germline): Pathogenic (1 of 4 stars; one submission).

Conditions:
Primary ciliary dyskinesia 3. Identifiers: Orphanet 244, MedGen C1837618, MONDO:0012085, OMIM 608644.

Submission:

Myriad Genetics, Inc.
Classification: Pathogenic for Primary ciliary dyskinesia 3. Last evaluated: 2026-03-19. Review status: criteria provided, single submitter. Criteria: Myriad Autosomal Dominant, Autosomal Recessive and X-Linked Classification Criteria (2023). Collection method: clinical testing. Allele origin: unknown.
Comment: NM_001369.2(DNAH5):c.12894T>A(Y4298*) is expected to be pathogenic in the context of primary ciliary dyskinesia, DNAH5-related. This variant is predicted to lead to an abnormal or absent protein product due to the creation of a premature termination codon in DNAH5, a gene where loss-of-function variants are known to be pathogenic. Please note: this variant was assessed in the context of healthy population screening.

NM_001369.3(DNAH5):c.12894T>A (p.Tyr4298Ter)

Gene: DNAH5 (dynein axonemal heavy chain 5; minus strand). Cytogenetic location: 5p15.2.
Variant type: single nucleotide variant.
Coding change: c.12894T>A on transcript NM_001369.3 (MANE Select); coding-DNA position 12894, T replaced by A.
Protein change: p.Tyr4298Ter; replaces tyrosine 4298 with a stop codon.
Molecular consequence: nonsense.
Genome position (GRCh38, 1-based): chr5:13,716,502, A>T on the plus strand (T>A on the coding strand, the complement: DNAH5 is on the minus strand). VCF-style: chr5-13716502-A-T. GRCh37 (hg19) VCF-style: chr5-13716611-A-T.
Other names: short protein forms Y4298*.
Identifiers: ClinVar variation 5015695 (VCV005015695.1).